The following is an entry in ClinVar:

NM_000543.5(SMPD1):c.831G>A (p.Trp277Ter)

Gene: SMPD1 (sphingomyelin phosphodiesterase 1; plus strand). Cytogenetic location: 11p15.4.
Variant type: single nucleotide variant.
Coding change: c.831G>A on transcript NM_000543.5 (MANE Select); coding-DNA position 831, G replaced by A.
Protein change: p.Trp277Ter; replaces tryptophan 277 with a stop codon.
Molecular consequence: nonsense. On other transcripts: 5 prime UTR variant (1), non-coding transcript variant (1).
Genome position (GRCh38, 1-based): chr11:6,391,896, G>A. VCF-style: chr11-6391896-G-A. GRCh37 (hg19) VCF-style: chr11-6413126-G-A.
Other names: c.828G>A, p.Trp276Ter (NM_001007593.3); c.831G>A, p.Trp277Ter (NM_001318087.2, NM_001365135.2); c.-131G>A (NM_001318088.2); short protein forms W276*, W277*.
Identifiers: ClinVar variation 5014910 (VCV005014910.1).

ClinVar aggregate classification (germline): Pathogenic (1 of 4 stars; one submission).

Conditions:
Acid sphingomyelinase deficiency. Identifiers: Orphanet 618899, MedGen C5243927, MONDO:0100464.

Submission:

Myriad Genetics, Inc.
Classification: Pathogenic for Acid sphingomyelinase deficiency. Last evaluated: 2025-08-24. Review status: criteria provided, single submitter. Criteria: Myriad Autosomal Dominant, Autosomal Recessive and X-Linked Classification Criteria (2023). Collection method: clinical testing. Allele origin: unknown.
Comment: NM_000543.4(SMPD1):c.831G>A(W277*) is expected to be pathogenic in the context of Niemann-Pick disease, SMPD1-related. This variant is predicted to lead to an abnormal or absent protein product due to the creation of a premature termination codon in SMPD1, a gene where loss-of-function variants are known to be pathogenic. Please note: this variant was assessed in the context of healthy population screening.